The following is an entry in ClinVar:

NM_000093.5(COL5A1):c.3803C>T (p.Pro1268Leu)

Gene: COL5A1 (collagen type V alpha 1 chain; plus strand). Cytogenetic location: 9q34.3.
Variant type: single nucleotide variant.
Coding change: c.3803C>T on transcript NM_000093.5 (MANE Select); coding-DNA position 3803, C replaced by T.
Protein change: p.Pro1268Leu; replaces proline 1268 with leucine.
Molecular consequence: missense variant.
Genome position (GRCh38, 1-based): chr9:134,812,663, C>T. VCF-style: chr9-134812663-C-T. GRCh37 (hg19) VCF-style: chr9-137704509-C-T.
Other names: c.3803C>T, p.Pro1268Leu (NM_001278074.1); short protein forms P1268L.
Identifiers: ClinVar variation 3364172 (VCV003364172.2).

ClinVar aggregate classification (germline): Uncertain significance (1 of 4 stars; one submission).

gnomAD v4.1: 2 of 1,595,684 alleles (0.00013%); highest among the groups gnomAD compares: Middle Eastern, 0.017%; no homozygotes.

Submission:

GeneDx
Classification: Uncertain significance. Last evaluated: 2025-04-23. Review status: criteria provided, single submitter. Criteria: GeneDx Variant Classification Process June 2021. Collection method: clinical testing. Allele origin: germline.
Comment: Not observed at significant frequency in large population cohorts (gnomAD); In silico analysis supports that this missense variant has a deleterious effect on protein structure/function; Occurs in the triple helical domain at the X position in the canonical Gly-X-Y repeat; although this variant may have an effect on normal protein folding and function, missense substitution at the X position is not a common mechanism of disease (PMID: 22696272); Has not been previously published as pathogenic or benign to our knowledge; This variant is associated with the following publications: (PMID: 22696272)